The following is an entry in ClinVar:

NM_001386140.1(MTTP):c.2606C>A (p.Pro869Gln)

Gene: MTTP (microsomal triglyceride transfer protein; plus strand). Cytogenetic location: 4q23.
Variant type: single nucleotide variant.
Coding change: c.2606C>A on transcript NM_001386140.1 (MANE Select); coding-DNA position 2606, C replaced by A.
Protein change: p.Pro869Gln; replaces proline 869 with glutamine.
Molecular consequence: missense variant.
Genome position (GRCh38, 1-based): chr4:99,622,769, C>A. VCF-style: chr4-99622769-C-A. GRCh37 (hg19) VCF-style: chr4-100543926-C-A.
Other names: c.2606C>A, p.Pro869Gln (NM_000253.4); c.2357C>A, p.Pro786Gln (NM_001300785.2); short protein forms P786Q, P869Q.
Identifiers: ClinVar variation 3613182 (VCV003613182.2).

ClinVar aggregate classification (germline): Uncertain significance (1 of 4 stars; one submission).

gnomAD v4.1: 2 of 1,613,956 alleles (0.00012%); highest among the groups gnomAD compares: East Asian, 0.0045%; no homozygotes.

Submission:

Labcorp Genetics (formerly Invitae), Labcorp
Classification: Uncertain significance. Last evaluated: 2024-12-02. Review status: criteria provided, single submitter. Criteria: Invitae Variant Classification Sherloc (09022015). Collection method: clinical testing. Allele origin: germline.
Comment: This sequence change replaces proline, which is neutral and non-polar, with glutamine, which is neutral and polar, at codon 869 of the MTTP protein (p.Pro869Gln). This variant is present in population databases (rs764748157, gnomAD 0.01%). This variant has not been reported in the literature in individuals affected with MTTP-related conditions. Invitae Evidence Modeling of protein sequence and biophysical properties (such as structural, functional, and spatial information, amino acid conservation, physicochemical variation, residue mobility, and thermodynamic stability) indicates that this missense variant is expected to disrupt MTTP protein function with a positive predictive value of 80%. In summary, the available evidence is currently insufficient to determine the role of this variant in disease. Therefore, it has been classified as a Variant of Uncertain Significance.